The following is an entry in ClinVar:

NM_006648.4(WNK2):c.6581C>G (p.Thr2194Ser)

Gene: WNK2 (WNK lysine deficient protein kinase 2; plus strand). Cytogenetic location: 9q22.31.
Variant type: single nucleotide variant.
Coding change: c.6581C>G on transcript NM_006648.4 (MANE Select); coding-DNA position 6581, C replaced by G.
Protein change: p.Thr2194Ser; replaces threonine 2194 with serine.
Molecular consequence: missense variant.
Genome position (GRCh38, 1-based): chr9:93,317,584, C>G. VCF-style: chr9-93317584-C-G. GRCh37 (hg19) VCF-style: chr9-96079866-C-G.
Other names: c.6692C>G, p.Thr2231Ser (NM_001282394.3); short protein forms T2231S, T2194S.
Identifiers: ClinVar variation 4605349 (VCV004605349.1).
Genomic context (GRCh38, chr9:93,317,584, plus strand): 5'-CCGCACCTCGAGCAGGAGTGGGGATGCCACGTCTGCCCCCAGCGCCCGGCCCTCTGTCCA[C>G]CACGGTCATTCCCGGAGCCGCCCCGACCCTGTCCGTGCCCACACCAGGTACTGCCCTCTC-3'
Protein context (NP_006639.3, residues 2184-2204): RLPPAPGPLS[Thr2194Ser]TVIPGAAPTL

ClinVar aggregate classification (germline): Uncertain significance (1 of 4 stars; one submission).

Submission:

Ambry Genetics
Classification: Uncertain significance. Last evaluated: 2025-11-08. Review status: criteria provided, single submitter. Criteria: Ambry Variant Classification Scheme 2023. Collection method: clinical testing. Allele origin: germline.
Comment: The p.T2194S variant (also known as c.6581C>G), located in coding exon 28 of the WNK2 gene, results from a C to G substitution at nucleotide position 6581. The threonine at codon 2194 is replaced by serine, an amino acid with similar properties. This amino acid position is conserved. In addition, this alteration is predicted to be tolerated by in silico analysis. Based on the available evidence, the clinical significance of this variant remains unclear.